The following is an entry in ClinVar:

NM_001267550.2(TTN):c.76023dup (p.Glu25342Ter)

Genes: TTN (titin; minus strand), TTN-AS1 (TTN antisense RNA 1; plus strand). Cytogenetic location: 2q31.2.
Variant type: Duplication.
Coding change: c.76023dup on transcript NM_001267550.2 (MANE Select); coding-DNA position 76023, one base duplicated (T; older notation c.76023dupT).
Protein change: p.Glu25342Ter; replaces glutamic acid 25342 with a stop codon.
Molecular consequence: nonsense.
Genome position (GRCh38, 1-based): chr2:178,570,109, A duplicated on the plus strand (T on the coding strand, the reverse complement: TTN is on the minus strand); the first of 2 consecutive A bases (chr2:178,570,109-178,570,110); duplicating either gives the same sequence. VCF-style (leftmost placement, unchanged base first): chr2-178570108-C-CA. GRCh37 (hg19) VCF-style: chr2-179434835-C-CA.
Other names: c.71100dup, p.Glu23701Ter (NM_001256850.1); c.48828dup, p.Glu16277Ter (NM_003319.4); c.68319dup, p.Glu22774Ter (NM_133378.4); c.49203dup, p.Glu16402Ter (NM_133432.3); c.49404dup, p.Glu16469Ter (NM_133437.4); c.48828dupT (NM_003319.4); short protein forms E25342*, E16402*, E16277*, E16469*, E22774*, E23701*.
Identifiers: ClinVar variation 3330121 (VCV003330121.1).

ClinVar aggregate classification (germline): Likely pathogenic (1 of 4 stars; one submission).

Conditions:
Cardiovascular phenotype. Identifiers: MedGen CN230736.

Submission:

Ambry Genetics
Classification: Likely pathogenic for Cardiovascular phenotype. Last evaluated: 2024-06-07. Review status: criteria provided, single submitter. Criteria: Ambry Variant Classification Scheme 2023. Collection method: clinical testing. Allele origin: germline.
Comment: The c.48828dupT variant, located in coding exon 153 of the TTN gene, results from a duplication of T at nucleotide position 48828, causing a translational frameshift with a predicted alternate stop codon (p.E16277*). This exon is located in the A-band region of the N2-B isoform of the titin protein and is constitutively expressed in TTN transcripts (percent spliced in or PSI 100%). This variant is considered to be rare based on population cohorts in the Genome Aggregation Database (gnomAD). This alteration is expected to result in loss of function by premature protein truncation or nonsense-mediated mRNA decay. While truncating variants in TTN are present in 1-3% of the general population, truncating variants in the A-band are the most common cause of dilated cardiomyopathy (DCM) (Herman DS et al. N. Engl. J. Med., 2012 Feb;366:619-28; Roberts AM et al. Sci Transl Med, 2015 Jan;7:270ra6). TTN truncating variants encoded in constitutive exons (PSI >90%) have been found to be significantly associated with DCM regardless of their position in titin (Schafer S et al. Nat. Genet., 2017 01;49:46-53). Based on the majority of available evidence to date, this variant is likely to be pathogenic.